The following is an entry in ClinVar:

ClinVar aggregate classification (germline): Uncertain significance (1 of 4 stars; one submission).

Submission:

Ambry Genetics
Classification: Uncertain significance. Last evaluated: 2025-09-09. Review status: criteria provided, single submitter. Criteria: Ambry Variant Classification Scheme 2023. Collection method: clinical testing. Allele origin: germline.
Comment: The p.V1684G variant (also known as c.5051T>G), located in coding exon 44 of the KIF1B gene, results from a T to G substitution at nucleotide position 5051. The valine at codon 1684 is replaced by glycine, an amino acid with dissimilar properties. This amino acid position is conserved. In addition, the in silico prediction for this alteration is inconclusive. Since supporting evidence is limited at this time, the clinical significance of this alteration remains unclear.

NM_001365951.3(KIF1B):c.5189T>G (p.Val1730Gly)

Gene: KIF1B (kinesin family member 1B; plus strand). Cytogenetic location: 1p36.22.
Variant type: single nucleotide variant.
Coding change: c.5189T>G on transcript NM_001365951.3 (MANE Select); coding-DNA position 5189, T replaced by G.
Protein change: p.Val1730Gly; replaces valine 1730 with glycine.
Molecular consequence: missense variant.
Genome position (GRCh38, 1-based): chr1:10,374,946, T>G. VCF-style: chr1-10374946-T-G. GRCh37 (hg19) VCF-style: chr1-10435004-T-G.
Other names: c.5189T>G, p.Val1730Gly (NM_001365952.1); c.5051T>G, p.Val1684Gly (NM_015074.3); short protein forms V1684G, V1730G.
Identifiers: ClinVar variation 1745040 (VCV001745040.3), dbSNP rs777611261, ClinGen allele CA338330730.